The following is an entry in ClinVar:

ClinVar aggregate classification (germline): Benign/Likely benign. Review status: criteria provided, multiple submitters, no conflicts (2 of 4 stars). 10 submissions from 10 submitters: Benign (2); Likely benign (8). Last evaluated 2026-09-01.

Conditions:
Charcot-Marie-Tooth disease axonal type 2N (CMT2N). Also called: CHARCOT-MARIE-TOOTH DISEASE, AXONAL, AUTOSOMAL DOMINANT, TYPE 2N; CHARCOT-MARIE-TOOTH NEUROPATHY, AXONAL, TYPE 2N; Charcot-Marie-Tooth Neuropathy Type 2N. Identifiers: Orphanet 228174, MedGen C2750090, MONDO:0013212, OMIM 613287.
Inborn genetic diseases. Identifiers: MedGen C0950123, MeSH D030342.
AARS1-related disorder. Also called: AARS1-related condition.
Charcot-Marie-Tooth disease type 2. Also called: Charcot-Marie-Tooth type 2. Identifiers: Orphanet 64746, MedGen C0270914, MONDO:0018993.

Allele frequency attached by ClinVar (database versions not stated): ESP Exome Variant Server 0.00031; gnomAD exomes 0.00032 and 0.00059; gnomAD 0.00038; ExAC 0.00054; TOPMed 0.00059; 1000 Genomes Project 0.00080; 1000 Genomes Project 30x 0.00109.
gnomAD v4.1: 554 of 1,614,146 alleles (0.034%); highest among the groups gnomAD compares: Admixed American, 0.23%; 3 homozygotes.

Submissions (10):

CeGaT Center for Human Genetics Tuebingen
Classification: Likely benign. Last evaluated: 2026-09-01. Review status: criteria provided, single submitter. Criteria: CeGaT Center For Human Genetics Tuebingen Variant Classification Criteria Version 2. Collection method: clinical testing. Allele origin: germline. Affected: yes. Observed: 4 variant alleles.
Comment: AARS1: BP4, BP7

Labcorp Genetics (formerly Invitae), Labcorp
Classification: Benign for Charcot-Marie-Tooth disease type 2. Last evaluated: 2026-01-19. Review status: criteria provided, single submitter. Criteria: Invitae Variant Classification Sherloc (09022015). Collection method: clinical testing. Allele origin: germline.

Women's Health and Genetics/Laboratory Corporation of America, LabCorp
Classification: Likely benign. Last evaluated: 2025-10-03. Review status: criteria provided, single submitter. Criteria: LabCorp Variant Classification Summary - May 2015. Collection method: clinical testing. Allele origin: germline.
Comment: Variant summary: AARS1 c.741G>A alters a conserved nucleotide resulting in a synonymous change. Consensus agreement among computation tools predict no significant impact on normal splicing. However, these predictions have yet to be confirmed by functional studies. The variant allele was found at a frequency of 0.00034 in 1614146 control chromosomes in the gnomAD database, including 3 homozygotes. This frequency is not significantly higher than estimated for disease-causing variants in AARS1, allowing no conclusion about variant significance. To our knowledge, no occurrence of c.741G>A in individuals affected with AARS1-related conditions and no experimental evidence demonstrating its impact on protein function have been reported. ClinVar contains an entry for this variant (Variation ID: 320350). Based on the evidence outlined above, the variant was classified as likely benign.

Mayo Clinic Laboratories, Mayo Clinic
Classification: Likely benign. Last evaluated: 2025-07-08. Review status: criteria provided, single submitter. Criteria: ACMG Guidelines, 2015. Collection method: clinical testing. Allele origin: germline. Observed: 3 variant alleles.
Comment: BS1, BP4, BP7

PreventionGenetics, part of Exact Sciences
Classification: Likely benign for AARS1-related condition. Last evaluated: 2025-02-11. Review status: criteria provided, single submitter. Criteria: ACMG Guidelines, 2015. Collection method: clinical testing. Allele origin: germline.
Comment: This variant is classified as likely benign based on ACMG/AMP sequence variant interpretation guidelines (Richards et al. 2015 PMID: 25741868, with internal and published modifications).

Blueprint Genetics
Classification: Likely benign. Last evaluated: 2024-05-03. Review status: criteria provided, single submitter. Criteria: ACMG Guidelines, 2015. Collection method: clinical testing. Allele origin: germline.

ARUP Laboratories, Molecular Genetics and Genomics, ARUP Laboratories
Classification: Likely benign. Last evaluated: 2022-03-18. Review status: criteria provided, single submitter. Criteria: ARUP Molecular Germline Variant Investigation Process 2021. Collection method: clinical testing. Allele origin: germline.

GeneDx
Classification: Likely benign. Last evaluated: 2020-03-24. Review status: criteria provided, single submitter. Criteria: GeneDx Variant Classification Process June 2021. Collection method: clinical testing. Allele origin: germline. Affected: yes.

Ambry Genetics
Classification: Likely benign for Inborn genetic diseases. Last evaluated: 2019-07-11. Review status: criteria provided, single submitter. Criteria: Ambry Variant Classification Scheme 2023. Collection method: clinical testing. Allele origin: germline.

Illumina Laboratory Services, Illumina
Classification: Benign for Charcot-Marie-Tooth disease axonal type 2N. Last evaluated: 2018-01-13. Review status: criteria provided, single submitter. Criteria: ICSL Variant Classification Criteria 13 December 2019. Collection method: clinical testing. Allele origin: germline.
Comment: This variant was observed in the ICSL laboratory as part of a predisposition screen in an ostensibly healthy population. It had not been previously curated by ICSL or reported in the Human Gene Mutation Database (HGMD: prior to June 1st, 2018), and was therefore a candidate for classification through an automated scoring system. Utilizing variant allele frequency, disease prevalence and penetrance estimates, and inheritance mode, an automated score was calculated to assess if this variant is too frequent to cause the disease. Based on the score and internal cut-off values, a variant classified as benign is not then subjected to further curation. The score for this variant resulted in a classification of benign for this disease.

NM_001605.3(AARS1):c.741G>A (p.Leu247=)

Gene: AARS1 (alanyl-tRNA synthetase 1; minus strand). Cytogenetic location: 16q22.1.
Variant type: single nucleotide variant.
Coding change: c.741G>A on transcript NM_001605.3 (MANE Select); coding-DNA position 741, G replaced by A.
Protein change: p.Leu247=; no amino-acid change (leucine 247 retained).
Molecular consequence: synonymous variant.
Genome position (GRCh38, 1-based): chr16:70,270,271, C>T on the plus strand (G>A on the coding strand, the complement: AARS1 is on the minus strand). VCF-style: chr16-70270271-C-T. GRCh37 (hg19) VCF-style: chr16-70304174-C-T.
Other names: p.Leu247=.
Identifiers: ClinVar variation 320350 (VCV000320350.39), dbSNP rs148075561, ClinGen allele CA8141056.